The following is an entry in ClinVar:

ClinVar aggregate classification (germline): Likely benign (1 of 4 stars; one submission).

Conditions:
Growth delay due to insulin-like growth factor type 1 deficiency (IGF1D). Also called: GROWTH RETARDATION WITH SENSORINEURAL DEAFNESS AND MENTAL RETARDATION; IGF1 DEFICIENCY. Identifiers: Orphanet 73272, MedGen C1837475, MONDO:0012110, OMIM 608747.

Allele frequency attached by ClinVar (database versions not stated): gnomAD 0.00005 and 0.00009; TOPMed 0.00009; 1000 Genomes Project 30x 0.00047; 1000 Genomes Project 0.00060.
gnomAD v4.1: 14 of 152,286 alleles (0.0092%); highest among the groups gnomAD compares: East Asian, 0.27%; no homozygotes.

Submission:

Illumina Laboratory Services, Illumina
Classification: Likely benign for Growth delay due to insulin-like growth factor type 1 deficiency. Last evaluated: 2018-01-12. Review status: criteria provided, single submitter. Criteria: ICSL Variant Classification Criteria 13 December 2019. Collection method: clinical testing. Allele origin: germline.
Comment: This variant was observed in the ICSL laboratory as part of a predisposition screen in an ostensibly healthy population. It had not been previously curated by ICSL or reported in the Human Gene Mutation Database (HGMD: prior to June 1st, 2018), and was therefore a candidate for classification through an automated scoring system. Utilizing variant allele frequency, disease prevalence and penetrance estimates, and inheritance mode, an automated score was calculated to assess if this variant is too frequent to cause the disease. Based on the score and internal cut-off values, a variant classified as likely benign is not then subjected to further curation. The score for this variant resulted in a classification of likely benign for this disease.

NM_000618.5(IGF1):c.*4739C>T

Genes: IGF1 (insulin like growth factor 1; minus strand), LINC02456 (long intergenic non-protein coding RNA 2456; plus strand). Cytogenetic location: 12q23.2.
Variant type: single nucleotide variant.
Coding change: c.*4739C>T on transcript NM_000618.5 (MANE Select); 4739 bases downstream of the stop codon, C replaced by T.
Molecular consequence: 3 prime UTR variant.
Genome position (GRCh38, 1-based): chr12:102,397,768, G>A on the plus strand (C>T on the coding strand, the complement: IGF1 is on the minus strand). VCF-style: chr12-102397768-G-A. GRCh37 (hg19) VCF-style: chr12-102791546-G-A.
Other names: c.*4773C>T (NM_001111283.3); c.*4739C>T (NM_001111284.2).
Identifiers: ClinVar variation 881827 (VCV000881827.4), dbSNP rs70961706, ClinGen allele CA242628829.